The following is an entry in ClinVar:

ClinVar aggregate classification (germline): Uncertain significance. Review status: criteria provided, multiple submitters, no conflicts (2 of 4 stars). 3 submissions from 3 submitters: Uncertain significance (3). Last evaluated 2025-12-21.

Conditions:
Rothmund-Thomson syndrome type 2 (RTS2). Identifiers: Orphanet 221016, MedGen C5203410, MONDO:0016369, OMIM 268400.
Inborn genetic diseases. Identifiers: MedGen C0950123, MeSH D030342.
Baller-Gerold syndrome (BGS). Also called: CRANIOSYNOSTOSIS WITH RADIAL DEFECTS. Identifiers: Orphanet 1225, MedGen C0265308, MONDO:0009039, OMIM 218600.

Allele frequency attached by ClinVar (database versions not stated): gnomAD 0.00002; TOPMed 0.00003; gnomAD exomes 0.00006 and 0.00008; ExAC 0.00008.
gnomAD v4.1: 109 of 1,609,294 alleles (0.0068%); highest among the groups gnomAD compares: Non-Finnish European, 0.0088%; no homozygotes.

Submissions (3):

Labcorp Genetics (formerly Invitae), Labcorp
Classification: Uncertain significance for Baller-Gerold syndrome. Last evaluated: 2025-12-21. Review status: criteria provided, single submitter. Criteria: Invitae Variant Classification Sherloc (09022015). Collection method: clinical testing. Allele origin: germline.
Comment: This sequence change replaces glycine, which is neutral and non-polar, with glutamic acid, which is acidic and polar, at codon 203 of the RECQL4 protein (p.Gly203Glu). This variant is present in population databases (rs776532961, gnomAD 0.01%). This variant has not been reported in the literature in individuals affected with RECQL4-related conditions. ClinVar contains an entry for this variant (Variation ID: 406962). Invitae Evidence Modeling of protein sequence and biophysical properties (such as structural, functional, and spatial information, amino acid conservation, physicochemical variation, residue mobility, and thermodynamic stability) indicates that this missense variant is not expected to disrupt RECQL4 protein function with a negative predictive value of 80%. In summary, the available evidence is currently insufficient to determine the role of this variant in disease. Therefore, it has been classified as a Variant of Uncertain Significance.

St. Jude Molecular Pathology, St. Jude Children's Research Hospital
Classification: Uncertain significance for Rothmund-Thomson syndrome type 2. Last evaluated: 2025-06-17. Review status: criteria provided, single submitter. Criteria: St. Jude Assertion Criteria 2020. Collection method: clinical testing. Allele origin: germline.
Comment: The RECQL4 c.608G>A p.(Gly203Glu) missense change has a maximum subpopulation frequency of 0.012% in gnomAD v2.1. In silico tools predict a benign effect of this variant on protein function, but to our knowledge these predictions have not been confirmed by functional assays. To our knowledge, this variant has not been reported in individuals with RECQL4-associated disorders. In summary, the evidence currently available is insufficient to determine the clinical significance of this variant. It has therefore been classified as of uncertain significance.

Ambry Genetics
Classification: Uncertain significance for Inborn genetic diseases. Last evaluated: 2025-04-10. Review status: criteria provided, single submitter. Criteria: Ambry Variant Classification Scheme 2023. Collection method: clinical testing. Allele origin: germline.

NM_004260.4(RECQL4):c.608G>A (p.Gly203Glu)

Gene: RECQL4 (RecQ like helicase 4; minus strand). Cytogenetic location: 8q24.3.
Variant type: single nucleotide variant.
Coding change: c.608G>A on transcript NM_004260.4 (MANE Select); coding-DNA position 608, G replaced by A.
Protein change: p.Gly203Glu; replaces glycine 203 with glutamic acid.
Molecular consequence: missense variant.
Genome position (GRCh38, 1-based): chr8:144,516,511, C>T on the plus strand (G>A on the coding strand, the complement: RECQL4 is on the minus strand). VCF-style: chr8-144516511-C-T. GRCh37 (hg19) VCF-style: chr8-145741895-C-T.
Other names: short protein forms G203E.
Identifiers: ClinVar variation 406962 (VCV000406962.16), dbSNP rs776532961, ClinGen allele CA4949240.